The following is an entry in ClinVar:

NM_016203.4(PRKAG2):c.320C>G (p.Pro107Arg)

Gene: PRKAG2 (protein kinase AMP-activated non-catalytic subunit gamma 2; minus strand). Cytogenetic location: 7q36.1.
Variant type: single nucleotide variant.
Coding change: c.320C>G on transcript NM_016203.4 (MANE Select); coding-DNA position 320, C replaced by G.
Protein change: p.Pro107Arg; replaces proline 107 with arginine.
Molecular consequence: missense variant.
Genome position (GRCh38, 1-based): chr7:151,781,298, G>C on the plus strand (C>G on the coding strand, the complement: PRKAG2 is on the minus strand). VCF-style: chr7-151781298-G-C. GRCh37 (hg19) VCF-style: chr7-151478384-G-C.
Other names: c.188C>G, p.Pro63Arg (NM_001040633.2, NM_001407024.1, NM_001407026.1 and 2 more transcripts); c.320C>G, p.Pro107Arg (NM_001407021.1, NM_001407022.1, NM_001407023.1 and 2 more transcripts); short protein forms P107R, P63R.
Identifiers: ClinVar variation 1709857 (VCV001709857.2), dbSNP rs730880985, ClinGen allele CA370069679.

ClinVar aggregate classification (germline): Uncertain significance (1 of 4 stars; one submission).

Conditions:
Hypertrophic cardiomyopathy 6. Identifiers: MedGen C1833236, MONDO:0010946, OMIM 600858.

Submission:

MGZ Medical Genetics Center
Classification: Uncertain significance for Hypertrophic cardiomyopathy 6. Last evaluated: 2021-10-22. Review status: criteria provided, single submitter. Criteria: ACMG Guidelines, 2015. Collection method: clinical testing. Allele origin: germline. Affected: yes. Observed: 1 variant allele.
Comment: ACMG criteria applied: PM2_SUP